The following is an entry in ClinVar:

NM_000821.7(GGCX):c.*3071T>C

Gene: GGCX (gamma-glutamyl carboxylase; minus strand). Cytogenetic location: 2p11.2.
Variant type: single nucleotide variant.
Coding change: c.*3071T>C on transcript NM_000821.7 (MANE Select); 3071 bases downstream of the stop codon, T replaced by C.
Molecular consequence: 3 prime UTR variant.
Genome position (GRCh38, 1-based): chr2:85,546,863, A>G on the plus strand (T>C on the coding strand, the complement: GGCX is on the minus strand). VCF-style: chr2-85546863-A-G. GRCh37 (hg19) VCF-style: chr2-85773986-A-G.
Other names: c.*3071T>C (NM_001142269.4).
Identifiers: ClinVar variation 337206 (VCV000337206.6), dbSNP rs72843835, ClinGen allele CA10616155.

ClinVar aggregate classification (germline): Benign. Review status: criteria provided, multiple submitters, no conflicts (2 of 4 stars). 2 submissions from 2 submitters: Benign (2). Last evaluated 2018-01-13.

Conditions:
Vitamin K-dependent clotting factors, combined deficiency of, type 1. Also called: FACTORS II, VII, IX, AND X, COMBINED DEFICIENCY OF; FAMILIAL MULTIPLE COAGULATION FACTOR DEFICIENCY III; FMFD III; GLUTAMIC ACID, DEFICIENT GAMMA-CARBOXYLATION OF; MULTIPLE COAGULATION FACTOR DEFICIENCY III; VITAMIN K-DEPENDENT COAGULATION DEFECT. Identifiers: Orphanet 98434, MedGen C1848534, MONDO:0010187, OMIM 277450.

Allele frequency attached by ClinVar (database versions not stated): 1000 Genomes Project 0.06909; 1000 Genomes Project 30x 0.07011; gnomAD 0.07441 and 0.07788; TOPMed 0.07907.

Submissions (2):

Illumina Laboratory Services, Illumina
Classification: Benign for Vitamin K-dependent clotting factors, combined deficiency of, type 1. Last evaluated: 2018-01-13. Review status: criteria provided, single submitter. Criteria: ICSL Variant Classification Criteria 13 December 2019. Collection method: clinical testing. Allele origin: germline.
Comment: This variant was observed in the ICSL laboratory as part of a predisposition screen in an ostensibly healthy population. It had not been previously curated by ICSL or reported in the Human Gene Mutation Database (HGMD: prior to June 1st, 2018), and was therefore a candidate for classification through an automated scoring system. Utilizing variant allele frequency, disease prevalence and penetrance estimates, and inheritance mode, an automated score was calculated to assess if this variant is too frequent to cause the disease. Based on the score and internal cut-off values, a variant classified as benign is not then subjected to further curation. The score for this variant resulted in a classification of benign for this disease.

Breakthrough Genomics
Classification: Benign. Review status: criteria provided, single submitter. Criteria: ACMG Guidelines, 2015. Collection method: not provided. Allele origin: germline. Inheritance: Autosomal recessive inheritance. Affected: yes.